The following is an entry in ClinVar:

NM_000548.5(TSC2):c.1120-6C>T

Gene: TSC2 (TSC complex subunit 2; plus strand). Cytogenetic location: 16p13.3.
Variant type: single nucleotide variant.
Coding change: c.1120-6C>T on transcript NM_000548.5 (MANE Select); 6 bases into the intron before coding-DNA position 1120, C replaced by T.
Molecular consequence: intron variant.
Genome position (GRCh38, 1-based): chr16:2,061,865, C>T. VCF-style: chr16-2061865-C-T. GRCh37 (hg19) VCF-style: chr16-2111866-C-T.
Other names: c.1120-6C>T (NM_001114382.3, NM_021055.3, NM_001370405.1 and 4 more transcripts); c.1009-6C>T (NM_001318827.2); c.520-6C>T (NM_001318831.2); c.973-6C>T (NM_001318829.2); c.1153-6C>T (NM_001318832.2).
Identifiers: ClinVar variation 719192 (VCV000719192.12), dbSNP rs1327886668, ClinGen allele CA620704810.

ClinVar aggregate classification (germline): Likely benign. Review status: criteria provided, multiple submitters, no conflicts (2 of 4 stars). 3 submissions from 3 submitters: Likely benign (2). 1 of the submissions does not count toward it. Last evaluated 2025-11-05.

Conditions:
TSC2-related disorder. Also called: TSC2-Related Disorders; TSC2-related condition.
Tuberous sclerosis 2 (TSC2). Identifiers: Orphanet 805, MedGen C1860707, MONDO:0013199, OMIM 613254.

Allele frequency attached by ClinVar (database versions not stated): gnomAD exomes below 0.00001; TOPMed below 0.00001; gnomAD 0.00001.
gnomAD v4.1: 3 of 1,613,988 alleles (0.00019%); highest among the groups gnomAD compares: Non-Finnish European, 0.00025%; no homozygotes.

Submissions (3):

Labcorp Genetics (formerly Invitae), Labcorp
Classification: Likely benign for Tuberous sclerosis 2. Last evaluated: 2025-11-05. Review status: criteria provided, single submitter. Criteria: Invitae Variant Classification Sherloc (09022015). Collection method: clinical testing. Allele origin: germline.

Myriad Genetics, Inc.
Classification: Likely benign for Tuberous sclerosis 2. Last evaluated: 2025-05-13. Review status: criteria provided, single submitter. Criteria: Myriad Autosomal Dominant, Autosomal Recessive and X-Linked Classification Criteria (2023). Collection method: clinical testing. Allele origin: unknown.
Comment: This variant is considered likely benign. This variant is intronic and is not expected to impact mRNA splicing.

PreventionGenetics, part of Exact Sciences
Classification: Likely benign for TSC2-related condition. Last evaluated: 2021-11-15. Review status: no assertion criteria provided. Collection method: clinical testing. Allele origin: germline. Not counted in ClinVar's aggregate classification.
Comment: This variant is classified as likely benign based on ACMG/AMP sequence variant interpretation guidelines (Richards et al. 2015 PMID: 25741868, with internal and published modifications).